The following is an entry in ClinVar:

ClinVar aggregate classification (germline): Uncertain significance (1 of 4 stars; one submission).

Allele frequency attached by ClinVar (database versions not stated): ExAC below 0.00001.

Submission:

Labcorp Genetics (formerly Invitae), Labcorp
Classification: Uncertain significance. Last evaluated: 2022-10-13. Review status: criteria provided, single submitter. Criteria: Invitae Variant Classification Sherloc (09022015). Collection method: clinical testing. Allele origin: germline.
Comment: Algorithms developed to predict the effect of missense changes on protein structure and function (SIFT, PolyPhen-2, Align-GVGD) all suggest that this variant is likely to be disruptive. In summary, the available evidence is currently insufficient to determine the role of this variant in disease. Therefore, it has been classified as a Variant of Uncertain Significance. ClinVar contains an entry for this variant (Variation ID: 963180). This sequence change replaces arginine, which is basic and polar, with glycine, which is neutral and non-polar, at codon 42 of the ATOH7 protein (p.Arg42Gly). This variant is not present in population databases (gnomAD no frequency). This variant has not been reported in the literature in individuals affected with ATOH7-related conditions.

NM_145178.4(ATOH7):c.124C>G (p.Arg42Gly)

Gene: ATOH7 (atonal bHLH transcription factor 7; minus strand). Cytogenetic location: 10q21.3.
Variant type: single nucleotide variant.
Coding change: c.124C>G on transcript NM_145178.4 (MANE Select); coding-DNA position 124, C replaced by G.
Protein change: p.Arg42Gly; replaces arginine 42 with glycine.
Molecular consequence: missense variant.
Genome position (GRCh38, 1-based): chr10:68,231,554, G>C on the plus strand (C>G on the coding strand, the complement: ATOH7 is on the minus strand). VCF-style: chr10-68231554-G-C. GRCh37 (hg19) VCF-style: chr10-69991311-G-C.
Other names: short protein forms R42G.
Identifiers: ClinVar variation 963180 (VCV000963180.10), dbSNP rs751214066, ClinGen allele CA5523393.
Genomic context (GRCh38, chr10:68,231,554, plus strand): 5'-GGTCGAAGGCAGTGTTGAGCCCCTGCATGCGGCGGCGCTCGCGCGCGTTGGCCGCCAGGC[G>C]CCTGCGCGCCGCGCTCTCCAGCCGCCCGGCCCCGGCGCACGTGCCCGCGCACTCGGTGCC-3'
Protein context (NP_660161.1, residues 32-52): AGRLESAARR[Arg42Gly]LAANARERRR